The following is an entry in ClinVar:

NM_001172303.3(MASTL):c.*60A>T

Genes: MASTL (microtubule associated serine/threonine kinase like; plus strand), ACBD5 (acyl-CoA binding domain containing 5; minus strand). Cytogenetic location: 10p12.1.
Variant type: single nucleotide variant.
Coding change: c.*60A>T on transcript NM_001172303.3 (MANE Select); 60 bases downstream of the stop codon, A replaced by T.
Molecular consequence: 3 prime UTR variant. On other transcripts: non-coding transcript variant (1), intron variant (1).
Genome position (GRCh38, 1-based): chr10:27,186,596, A>T. VCF-style: chr10-27186596-A-T. GRCh37 (hg19) VCF-style: chr10-27475525-A-T.
Other names: c.*60A>T (NM_001372029.1, NM_001372030.1, NM_032844.5 and 3 more transcripts); c.1566-2281T>A (NM_001352570.1).
Identifiers: ClinVar variation 878516 (VCV000878516.6), dbSNP rs570139166, ClinGen allele CA204456890.

ClinVar aggregate classification (germline): Benign (1 of 4 stars; one submission).

Conditions:
Thrombocytopenia. Identifiers: MedGen C0040034, MeSH D013921, MONDO:0002049, HP:0001873.

Allele frequency attached by ClinVar (database versions not stated): gnomAD exomes 0.00007; gnomAD 0.00071 and 0.00076; 1000 Genomes Project 0.00100; 1000 Genomes Project 30x 0.00109; TOPMed 0.00085.
gnomAD v4.1: 187 of 1,338,314 alleles (0.014%); highest among the groups gnomAD compares: African/African-American, 0.25%; 1 homozygote.

Submission:

Illumina Laboratory Services, Illumina
Classification: Benign for Thrombocytopenia. Last evaluated: 2018-01-13. Review status: criteria provided, single submitter. Criteria: ICSL Variant Classification Criteria 13 December 2019. Collection method: clinical testing. Allele origin: germline.
Comment: This variant was observed in the ICSL laboratory as part of a predisposition screen in an ostensibly healthy population. It had not been previously curated by ICSL or reported in the Human Gene Mutation Database (HGMD: prior to June 1st, 2018), and was therefore a candidate for classification through an automated scoring system. Utilizing variant allele frequency, disease prevalence and penetrance estimates, and inheritance mode, an automated score was calculated to assess if this variant is too frequent to cause the disease. Based on the score and internal cut-off values, a variant classified as benign is not then subjected to further curation. The score for this variant resulted in a classification of benign for this disease.